The following is an entry in ClinVar:

ClinVar aggregate classification (germline): Uncertain significance (1 of 4 stars; one submission).

Conditions:
Cardiovascular phenotype. Identifiers: MedGen CN230736.

gnomAD v4.1: 2 of 1,614,118 alleles (0.00012%); highest among the groups gnomAD compares: Non-Finnish European, 0.00017%; no homozygotes.

Submission:

Ambry Genetics
Classification: Uncertain significance for Cardiovascular phenotype. Last evaluated: 2020-03-11. Review status: criteria provided, single submitter. Criteria: Ambry Variant Classification Scheme 2023. Collection method: clinical testing. Allele origin: germline.
Comment: The p.Y265S variant (also known as c.794A>C), located in coding exon 8 of the ANKRD1 gene, results from an A to C substitution at nucleotide position 794. The tyrosine at codon 265 is replaced by serine, an amino acid with dissimilar properties. This amino acid position is well conserved in available vertebrate species. In addition, the in silico prediction for this alteration is inconclusive. Since supporting evidence is limited at this time, the clinical significance of this alteration remains unclear.

NM_014391.3(ANKRD1):c.794A>C (p.Tyr265Ser)

Gene: ANKRD1 (ankyrin repeat domain 1; minus strand). Cytogenetic location: 10q23.31.
Variant type: single nucleotide variant.
Coding change: c.794A>C on transcript NM_014391.3 (MANE Select); coding-DNA position 794, A replaced by C.
Protein change: p.Tyr265Ser; replaces tyrosine 265 with serine.
Molecular consequence: missense variant.
Genome position (GRCh38, 1-based): chr10:90,915,598, T>G on the plus strand (A>C on the coding strand, the complement: ANKRD1 is on the minus strand). VCF-style: chr10-90915598-T-G. GRCh37 (hg19) VCF-style: chr10-92675355-T-G.
Other names: short protein forms Y265S.
Identifiers: ClinVar variation 1761346 (VCV001761346.2), dbSNP rs766909540, ClinGen allele CA377549701.